The following is an entry in ClinVar:

ClinVar aggregate classification (germline): Uncertain significance. Review status: criteria provided, multiple submitters, no conflicts (2 of 4 stars). 3 submissions from 3 submitters: Uncertain significance (2). 1 of the submissions does not count toward it. Last evaluated 2025-11-24.

Conditions:
Hereditary cancer-predisposing syndrome. Also called: Tumor predisposition; Hereditary Cancer Syndrome; Neoplastic Syndromes, Hereditary; Hereditary neoplastic syndrome. Identifiers: Orphanet 140162, MedGen C0027672, MeSH D009386, MONDO:0015356.
Fanconi anemia (FA). Also called: Fanconi's anemia. Identifiers: Orphanet 84, MedGen C0015625, MeSH D005199, MONDO:0019391.

Allele frequency attached by ClinVar (database versions not stated): gnomAD exomes 0.00001; TOPMed 0.00001; gnomAD 0.00003.
gnomAD v4.1: 12 of 1,613,956 alleles (0.00074%); highest among the groups gnomAD compares: Non-Finnish European, 0.00093%; no homozygotes.

Submissions (3):

Ambry Genetics
Classification: Uncertain significance for Hereditary cancer-predisposing syndrome. Last evaluated: 2025-11-24. Review status: criteria provided, single submitter. Criteria: Ambry Variant Classification Scheme 2023. Collection method: clinical testing. Allele origin: germline.
Comment: The p.K277I variant (also known as c.830A>T), located in coding exon 7 of the FANCC gene, results from an A to T substitution at nucleotide position 830. The lysine at codon 277 is replaced by isoleucine, an amino acid with dissimilar properties. This amino acid position is not well conserved in available vertebrate species. In addition, this alteration is predicted to be tolerated by in silico analysis. Since supporting evidence is limited at this time, the clinical significance of this alteration remains unclear.

Labcorp Genetics (formerly Invitae), Labcorp
Classification: Uncertain significance for Fanconi anemia. Last evaluated: 2023-10-18. Review status: criteria provided, single submitter. Criteria: Invitae Variant Classification Sherloc (09022015). Collection method: clinical testing. Allele origin: germline.
Comment: This sequence change replaces lysine, which is basic and polar, with isoleucine, which is neutral and non-polar, at codon 277 of the FANCC protein (p.Lys277Ile). This variant is present in population databases (no rsID available, gnomAD 0.007%). This variant has not been reported in the literature in individuals affected with FANCC-related conditions. ClinVar contains an entry for this variant (Variation ID: 822285). Advanced modeling of protein sequence and biophysical properties (such as structural, functional, and spatial information, amino acid conservation, physicochemical variation, residue mobility, and thermodynamic stability) performed at Invitae indicates that this missense variant is not expected to disrupt FANCC protein function. In summary, the available evidence is currently insufficient to determine the role of this variant in disease. Therefore, it has been classified as a Variant of Uncertain Significance.

Natera, Inc.
Classification: Uncertain significance for Fanconi anemia. Last evaluated: 2018-07-05. Review status: no assertion criteria provided. Collection method: clinical testing. Allele origin: germline. Not counted in ClinVar's aggregate classification.

NM_000136.3(FANCC):c.830A>T (p.Lys277Ile)

Genes: AOPEP (aminopeptidase O (putative); plus strand), FANCC (FA complementation group C; minus strand). Cytogenetic location: 9q22.32.
Variant type: single nucleotide variant.
Coding change: c.830A>T on transcript NM_000136.3 (MANE Select); coding-DNA position 830, A replaced by T.
Protein change: p.Lys277Ile; replaces lysine 277 with isoleucine.
Molecular consequence: missense variant.
Genome position (GRCh38, 1-based): chr9:95,135,359, T>A on the plus strand (A>T on the coding strand, the complement: FANCC is on the minus strand). VCF-style: chr9-95135359-T-A. GRCh37 (hg19) VCF-style: chr9-97897641-T-A.
Other names: c.830A>T, p.Lys277Ile (NM_001243743.2, NM_001243744.2); short protein forms K277I.
Identifiers: ClinVar variation 822285 (VCV000822285.9), dbSNP rs1349398241, ClinGen allele CA374109196.